The following is an entry in ClinVar:

NM_001042646.3(TRAK1):c.903C>T (p.Cys301=)

Gene: TRAK1 (trafficking kinesin protein 1; plus strand). Cytogenetic location: 3p22.1.
Variant type: single nucleotide variant.
Coding change: c.903C>T on transcript NM_001042646.3 (MANE Select); coding-DNA position 903, C replaced by T.
Protein change: p.Cys301=; no amino-acid change (cysteine 301 retained).
Molecular consequence: synonymous variant. On other transcripts: non-coding transcript variant (1).
Genome position (GRCh38, 1-based): chr3:42,193,826, C>T. VCF-style: chr3-42193826-C-T. GRCh37 (hg19) VCF-style: chr3-42235318-C-T.
Other names: c.903C>T (NM_001042646.2); c.903C>T, p.Cys301= (NM_001265608.2, NM_001349246.2, NM_001349247.2); c.681C>T, p.Cys227= (NM_001265609.2, NM_001265610.1, NM_001349248.1 and 1 more transcripts); c.591C>T, p.Cys197= (NM_001349245.1); c.729C>T, p.Cys243= (NM_001410741.1, NM_014965.5).
Identifiers: ClinVar variation 2851432 (VCV002851432.8), dbSNP rs144162412, ClinGen allele CA2333302.

ClinVar aggregate classification (germline): Benign/Likely benign. Review status: criteria provided, multiple submitters, no conflicts (2 of 4 stars). 4 submissions from 4 submitters: Benign (1); Likely benign (2). 1 of the submissions does not count toward it. Last evaluated 2026-05-01.

Conditions:
TRAK1-related disorder. Also called: TRAK1-related condition.

Allele frequency attached by ClinVar (database versions not stated): gnomAD exomes 0.00011; ExAC 0.00043; gnomAD 0.00107; 1000 Genomes Project 0.00120; TOPMed 0.00121; 1000 Genomes Project 30x 0.00125; ESP Exome Variant Server 0.00177.
gnomAD v4.1: 329 of 1,614,034 alleles (0.02%); highest among the groups gnomAD compares: African/African-American, 0.37%; 2 homozygotes.

Submissions (4):

CeGaT Center for Human Genetics Tuebingen
Classification: Likely benign. Last evaluated: 2026-05-01. Review status: criteria provided, single submitter. Criteria: CeGaT Center For Human Genetics Tuebingen Variant Classification Criteria Version 2. Collection method: clinical testing. Allele origin: germline. Affected: yes. Observed: 1 variant allele.
Comment: TRAK1: BP4, BP7

Labcorp Genetics (formerly Invitae), Labcorp
Classification: Benign. Last evaluated: 2026-01-04. Review status: criteria provided, single submitter. Criteria: Invitae Variant Classification Sherloc (09022015). Collection method: clinical testing. Allele origin: germline.

Blueprint Genetics
Classification: Likely benign. Last evaluated: 2023-08-09. Review status: criteria provided, single submitter. Criteria: ACMG Guidelines, 2015. Collection method: clinical testing. Allele origin: germline.

PreventionGenetics, part of Exact Sciences
Classification: Likely benign for TRAK1-related condition. Last evaluated: 2019-08-28. Review status: no assertion criteria provided. Collection method: clinical testing. Allele origin: germline. Not counted in ClinVar's aggregate classification.
Comment: This variant is classified as likely benign based on ACMG/AMP sequence variant interpretation guidelines (Richards et al. 2015 PMID: 25741868, with internal and published modifications).